The following is an entry in ClinVar:

NM_001130438.3(SPTAN1):c.7309-7C>G

Gene: SPTAN1 (spectrin alpha, non-erythrocytic 1; plus strand). Cytogenetic location: 9q34.11.
Variant type: single nucleotide variant.
Coding change: c.7309-7C>G on transcript NM_001130438.3 (MANE Select); 7 bases into the intron before coding-DNA position 7309, C replaced by G.
Molecular consequence: intron variant.
Genome position (GRCh38, 1-based): chr9:128,633,202, C>G. VCF-style: chr9-128633202-C-G. GRCh37 (hg19) VCF-style: chr9-131395481-C-G.
Other names: c.7408-7C>G (NM_001375318.1); c.7345-7C>G (NM_001375312.2); c.7309-7C>G (NM_001375311.2); c.7249-7C>G (NM_001375314.2, NM_001363765.2); c.7396-7C>G (NM_001375310.1); c.7372-7C>G (NM_001363759.2); c.7291-7C>G (NM_001375313.1); c.7294-7C>G (NM_003127.4); and 1 more.
Identifiers: ClinVar variation 2748108 (VCV002748108.3), dbSNP rs866813546, ClinGen allele CA200414092.

ClinVar aggregate classification (germline): Uncertain significance (1 of 4 stars; one submission).

Conditions:
Early-infantile DEE. Also called: Early infantile epileptic encephalopathy with suppression bursts; Early infantile epileptic encephalopathy; Ohtahara syndrome. Identifiers: Orphanet 1934, MedGen C0393706, MONDO:0800491.

gnomAD v4.1: 3 of 1,613,990 alleles (0.00019%); highest among the groups gnomAD compares: Non-Finnish European, 0.00025%; no homozygotes.

Submission:

Labcorp Genetics (formerly Invitae), Labcorp
Classification: Uncertain significance for Early-infantile DEE. Last evaluated: 2023-07-29. Review status: criteria provided, single submitter. Criteria: Invitae Variant Classification Sherloc (09022015). Collection method: clinical testing. Allele origin: germline.
Comment: This variant has not been reported in the literature in individuals affected with SPTAN1-related conditions. This variant is not present in population databases (gnomAD no frequency). This sequence change falls in intron 56 of the SPTAN1 gene. It does not directly change the encoded amino acid sequence of the SPTAN1 protein. Algorithms developed to predict the effect of sequence changes on RNA splicing suggest that this variant may create or strengthen a splice site. In summary, the available evidence is currently insufficient to determine the role of this variant in disease. Therefore, it has been classified as a Variant of Uncertain Significance.